The following is an entry in ClinVar:

ClinVar aggregate classification (germline): Likely benign (1 of 4 stars; one submission).

Submission:

CeGaT Center for Human Genetics Tuebingen
Classification: Likely benign. Last evaluated: 2026-07-01. Review status: criteria provided, single submitter. Criteria: CeGaT Center For Human Genetics Tuebingen Variant Classification Criteria Version 2. Collection method: clinical testing. Allele origin: germline. Affected: yes. Observed: 1 variant allele.
Comment: FLNA: PM2:Supporting, BP4, BP7

NM_001110556.2(FLNA):c.6528C>T (p.Ala2176=)

Gene: FLNA (filamin A; minus strand). Cytogenetic location: Xq28.
Variant type: single nucleotide variant.
Coding change: c.6528C>T on transcript NM_001110556.2 (MANE Select); coding-DNA position 6528, C replaced by T.
Protein change: p.Ala2176=; no amino-acid change (alanine 2176 retained).
Molecular consequence: synonymous variant.
Genome position (GRCh38, 1-based): chrX:154,352,422, G>A on the plus strand (C>T on the coding strand, the complement: FLNA is on the minus strand). VCF-style: chrX-154352422-G-A. GRCh37 (hg19) VCF-style: chrX-153580790-G-A.
Other names: c.6504C>T, p.Ala2168= (NM_001456.4).
Identifiers: ClinVar variation 5040511 (VCV005040511.1).